The following is an entry in ClinVar:

NM_004415.4(DSP):c.2515C>T (p.His839Tyr)

Gene: DSP (desmoplakin; plus strand). Cytogenetic location: 6p24.3.
Variant type: single nucleotide variant.
Coding change: c.2515C>T on transcript NM_004415.4 (MANE Select); coding-DNA position 2515, C replaced by T.
Protein change: p.His839Tyr; replaces histidine 839 with tyrosine.
Molecular consequence: missense variant.
Genome position (GRCh38, 1-based): chr6:7,575,373, C>T. VCF-style: chr6-7575373-C-T. GRCh37 (hg19) VCF-style: chr6-7575606-C-T.
Other names: c.2515C>T, p.His839Tyr (NM_001008844.3, NM_001319034.2); short protein forms H839Y.
Identifiers: ClinVar variation 1696248 (VCV001696248.8), dbSNP rs1561693806, ClinGen allele CA362681513.

ClinVar aggregate classification (germline): Conflicting classifications of pathogenicity. Review status: criteria provided, conflicting classifications (1 of 4 stars). 3 submissions from 3 submitters: Uncertain significance (2); Likely benign (1). Last evaluated 2026-01-13.

Conditions:
Arrhythmogenic right ventricular dysplasia 8 (ARVD8). Also called: Arrhythmogenic Right Ventricular Dysplasia/Cardiomyopathy 8; ARRHYTHMOGENIC RIGHT VENTRICULAR DYSPLASIA, FAMILIAL, 8; ARRHYTHMOGENIC RIGHT VENTRICULAR CARDIOMYOPATHY 8. Identifiers: MedGen C1843896, MONDO:0011831, OMIM 607450.
Arrhythmogenic cardiomyopathy with wooly hair and keratoderma. Also called: Dilated cardiomyopathy with woolly hair and keratoderma; Carvajal syndrome; PALMOPLANTAR KERATODERMA WITH LEFT VENTRICULAR CARDIOMYOPATHY AND WOOLLY HAIR; Arrhythmogenic cardiomyopathy with woolly hair and keratoderma. Identifiers: Orphanet 65282, MedGen C1854063, MONDO:0011581, OMIM 605676.

Allele frequency attached by ClinVar (database versions not stated): gnomAD exomes below 0.00001; TOPMed below 0.00001; gnomAD 0.00001.
gnomAD v4.1: 3 of 1,613,930 alleles (0.00019%); highest among the groups gnomAD compares: Admixed American, 0.005%; no homozygotes.

Submissions (3):

Labcorp Genetics (formerly Invitae), Labcorp
Classification: Likely benign for Arrhythmogenic cardiomyopathy with wooly hair and keratoderma; Arrhythmogenic right ventricular dysplasia 8. Last evaluated: 2026-01-13. Review status: criteria provided, single submitter. Criteria: Invitae Variant Classification Sherloc (09022015). Collection method: clinical testing. Allele origin: germline.

All of Us Research Program, National Institutes of Health
Classification: Uncertain significance for Arrhythmogenic cardiomyopathy with wooly hair and keratoderma. Last evaluated: 2024-08-06. Review status: criteria provided, single submitter. Criteria: ACMG Guidelines, 2015. Collection method: clinical testing. Allele origin: germline. Inheritance: Autosomal dominant inheritance. Observed: 4 variant alleles, 4 heterozygotes.
Comment: This missense variant replaces histidine with tyrosine at codon 839 of the DSP protein. Computational prediction suggests that this variant may not impact protein structure and function (internally defined REVEL score threshold <= 0.5, PMID: 27666373). To our knowledge, functional studies have not been reported for this variant. This variant has been reported in an individual affected with possible arrhythmogenic cardiomyopathy (PMID: 33652588). This variant has been identified in 1/251454 chromosomes in the general population by the Genome Aggregation Database (gnomAD). The available evidence is insufficient to determine the role of this variant in disease conclusively. Therefore, this variant is classified as a Variant of Uncertain Significance.

This study involves interpretation of variants in research participants for the purpose of population health screening. Participant phenotype was not available at the time of variant classification. Additional details can be found in publication PMID: 35346344, PMCID: PMC8962531

Women's Health and Genetics/Laboratory Corporation of America, LabCorp
Classification: Uncertain significance. Last evaluated: 2022-05-24. Review status: criteria provided, single submitter. Criteria: LabCorp Variant Classification Summary - May 2015. Collection method: clinical testing. Allele origin: germline.
Comment: Variant summary: DSP c.2515C>T (p.His839Tyr) results in a conservative amino acid change in the encoded protein sequence. Four of five in-silico tools predict a benign effect of the variant on protein function. The variant allele was found at a frequency of 4e-06 in 251454 control chromosomes. The available data on variant occurrences in the general population are insufficient to allow any conclusion about variant significance. c.2515C>T has been reported in the literature in an individual with features of cardiomyopathy (Vallverdu-Prats_DSP_2021). This report does not provide unequivocal conclusions about association of the variant with Arrhythmogenic Right Ventricular Dysplasia/Cardiomyopathy. To our knowledge, no experimental evidence demonstrating an impact on protein function has been reported. No clinical diagnostic laboratories have submitted clinical-significance assessments for this variant to ClinVar after 2014. Based on the evidence outlined above, the variant was classified as uncertain significance.

Literature cited by the submitters: PubMed 33652588 (cited by All of Us Research Program, National Institutes of Health and Women's Health and Genetics/Laboratory Corporation of America, LabCorp).